The following is an entry in ClinVar:

NM_000390.4(CHM):c.1511-1G>T

Gene: CHM (CHM Rab escort protein; minus strand). Cytogenetic location: Xq21.2.
Variant type: single nucleotide variant.
Coding change: c.1511-1G>T on transcript NM_000390.4 (MANE Select); the canonical splice acceptor site of the intron before coding-DNA position 1511, G replaced by T.
Molecular consequence: splice acceptor variant.
Genome position (GRCh38, 1-based): chrX:85,879,064, C>A on the plus strand (G>T on the coding strand, the complement: CHM is on the minus strand). VCF-style: chrX-85879064-C-A. GRCh37 (hg19) VCF-style: chrX-85134069-C-A.
Other names: c.1067-1G>T (NM_001362519.1, NM_001362517.1, NM_001320959.1 and 1 more transcripts).
Identifiers: ClinVar variation 3658927 (VCV003658927.2).
Genomic context (GRCh38, chrX:85,879,064, plus strand): 5'-CAACTGATTCTAAATCTTCTCTTGCTGTTTTAGAAGATGTGCAAGTCAAATGAACCAAAT[C>A]TGTTAAAAAAAAAATATTTGAGTTCCTTGTCATCACAAATCTATTTTACTTATACTTAAG-3'

ClinVar aggregate classification (germline): Pathogenic (1 of 4 stars; one submission).

Submission:

Labcorp Genetics (formerly Invitae), Labcorp
Classification: Pathogenic. Last evaluated: 2024-07-06. Review status: criteria provided, single submitter. Criteria: Invitae Variant Classification Sherloc (09022015). Collection method: clinical testing. Allele origin: germline.
Comment: This sequence change affects an acceptor splice site in intron 12 of the CHM gene. It is expected to disrupt RNA splicing. Variants that disrupt the donor or acceptor splice site typically lead to a loss of protein function (PMID: 16199547), and loss-of-function variants in CHM are known to be pathogenic (PMID: 9067750, 23811034). This variant is not present in population databases (gnomAD no frequency). Disruption of this splice site has been observed in individual(s) with choroideremia (PMID: 27247961). Algorithms developed to predict the effect of sequence changes on RNA splicing suggest that this variant may disrupt the consensus splice site. For these reasons, this variant has been classified as Pathogenic.

Literature cited by the submitters: PubMed 16199547; PubMed 9067750; PubMed 23811034; PubMed 27247961.